The following is an entry in ClinVar:

NM_000538.4(RFXAP):c.298G>C (p.Gly100Arg)

Gene: RFXAP (regulatory factor X associated protein; plus strand). Cytogenetic location: 13q13.3.
Variant type: single nucleotide variant.
Coding change: c.298G>C on transcript NM_000538.4 (MANE Select); coding-DNA position 298, G replaced by C.
Protein change: p.Gly100Arg; replaces glycine 100 with arginine.
Molecular consequence: missense variant.
Genome position (GRCh38, 1-based): chr13:36,819,655, G>C. VCF-style: chr13-36819655-G-C. GRCh37 (hg19) VCF-style: chr13-37393792-G-C.
Other names: short protein forms G100R.
Identifiers: ClinVar variation 846261 (VCV000846261.8), dbSNP rs774581579, ClinGen allele CA387854591.

ClinVar aggregate classification (germline): Uncertain significance (1 of 4 stars; one submission).

Conditions:
MHC class II deficiency. Also called: BLS, TYPE II; Bare lymphocyte syndrome 2. Identifiers: Orphanet 572, MedGen C5447452, MONDO:0008855.

gnomAD v4.1: 5 of 1,549,046 alleles (0.00032%); highest among the groups gnomAD compares: East Asian, 0.0024%; no homozygotes.

Submission:

Labcorp Genetics (formerly Invitae), Labcorp
Classification: Uncertain significance for MHC class II deficiency. Last evaluated: 2022-01-26. Review status: criteria provided, single submitter. Criteria: Invitae Variant Classification Sherloc (09022015). Collection method: clinical testing. Allele origin: germline.
Comment: This sequence change replaces glycine, which is neutral and non-polar, with arginine, which is basic and polar, at codon 100 of the RFXAP protein (p.Gly100Arg). This variant is present in population databases (no rsID available, gnomAD 0.01%). This variant has not been reported in the literature in individuals affected with RFXAP-related conditions. ClinVar contains an entry for this variant (Variation ID: 846261). Algorithms developed to predict the effect of missense changes on protein structure and function are either unavailable or do not agree on the potential impact of this missense change (SIFT: "Deleterious"; PolyPhen-2: "Probably Damaging"; Align-GVGD: "Class C0"). In summary, the available evidence is currently insufficient to determine the role of this variant in disease. Therefore, it has been classified as a Variant of Uncertain Significance.